The following is an entry in ClinVar:

NM_000168.6(GLI3):c.*1087A>T

Gene: GLI3 (GLI family zinc finger 3; minus strand). Cytogenetic location: 7p14.1.
Variant type: single nucleotide variant.
Coding change: c.*1087A>T on transcript NM_000168.6 (MANE Select); 1087 bases downstream of the stop codon, A replaced by T.
Molecular consequence: 3 prime UTR variant.
Genome position (GRCh38, 1-based): chr7:41,963,243, T>A on the plus strand (A>T on the coding strand, the complement: GLI3 is on the minus strand). VCF-style: chr7-41963243-T-A. GRCh37 (hg19) VCF-style: chr7-42002841-T-A.
Identifiers: ClinVar variation 360194 (VCV000360194.5), dbSNP rs76023240, ClinGen allele CA10629195.

ClinVar aggregate classification (germline): Benign. Review status: criteria provided, single submitter (1 of 4 stars). 3 submissions from 1 submitter: Benign (3). Last evaluated 2018-01-13.

Conditions:
Polydactyly. Also called: polydactylism. Identifiers: MedGen C0152427, MONDO:0021003, OMIM 603596, HP:0010442.
Pallister-Hall syndrome (PHS). Also called: HYPOTHALAMIC HAMARTOBLASTOMA, HYPOPITUITARISM, IMPERFORATE ANUS, AND POSTAXIAL POLYDACTYLY; GLI3-Related Pallister-Hall Syndrome. Identifiers: Orphanet 672, MedGen C0265220, MONDO:0007804, OMIM 146510.
Greig cephalopolysyndactyly syndrome (GCPS). Also called: POLYSYNDACTYLY WITH PECULIAR SKULL SHAPE; Greig syndrome; GLI3-Related Greig Cephalopolysyndactyly Syndrome. Identifiers: Orphanet 380, MedGen C0265306, MONDO:0008287, OMIM 175700.

Allele frequency attached by ClinVar (database versions not stated): 1000 Genomes Project 30x 0.01811; 1000 Genomes Project 0.01917; TOPMed 0.03347; gnomAD 0.03445 and 0.03456.

Submissions (3):

Illumina Laboratory Services, Illumina
Classification: Benign for Greig cephalopolysyndactyly syndrome. Last evaluated: 2018-01-13. Review status: criteria provided, single submitter. Criteria: ICSL Variant Classification Criteria 13 December 2019. Collection method: clinical testing. Allele origin: germline.
Comment: This variant was observed in the ICSL laboratory as part of a predisposition screen in an ostensibly healthy population. It had not been previously curated by ICSL or reported in the Human Gene Mutation Database (HGMD: prior to June 1st, 2018), and was therefore a candidate for classification through an automated scoring system. Utilizing variant allele frequency, disease prevalence and penetrance estimates, and inheritance mode, an automated score was calculated to assess if this variant is too frequent to cause the disease. Based on the score and internal cut-off values, a variant classified as benign is not then subjected to further curation. The score for this variant resulted in a classification of benign for this disease.

Illumina Laboratory Services, Illumina
Classification: Benign for Polydactyly. Last evaluated: 2018-01-13. Review status: criteria provided, single submitter. Criteria: ICSL Variant Classification Criteria 13 December 2019. Collection method: clinical testing. Allele origin: germline.
Comment: the same text as in the submission from Illumina Laboratory Services, Illumina above.

Illumina Laboratory Services, Illumina
Classification: Benign for Pallister-Hall syndrome. Last evaluated: 2018-01-13. Review status: criteria provided, single submitter. Criteria: ICSL Variant Classification Criteria 13 December 2019. Collection method: clinical testing. Allele origin: germline.
Comment: the same text as in the submission from Illumina Laboratory Services, Illumina above.